The following is an entry in ClinVar:

ClinVar aggregate classification (germline): Pathogenic (1 of 4 stars; one submission).

Submission:

Labcorp Genetics (formerly Invitae), Labcorp
Classification: Pathogenic. Last evaluated: 2022-07-05. Review status: criteria provided, single submitter. Criteria: Invitae Variant Classification Sherloc (09022015). Collection method: clinical testing. Allele origin: germline.
Comment: This sequence change creates a premature translational stop signal (p.Gln139Valfs*15) in the POLR1C gene. It is expected to result in an absent or disrupted protein product. Loss-of-function variants in POLR1C are known to be pathogenic (PMID: 21131976, 26151409, 32042905). This variant is not present in population databases (gnomAD no frequency). This variant has not been reported in the literature in individuals affected with POLR1C-related conditions. Algorithms developed to predict the effect of sequence changes on RNA splicing suggest that this variant may disrupt the consensus splice site. For these reasons, this variant has been classified as Pathogenic.

Literature cited by the submitters: PubMed 21131976; PubMed 26151409; PubMed 32042905.

NM_203290.4(POLR1C):c.415_416del (p.Gln139fs)

Gene: POLR1C (RNA polymerase I and III subunit C; plus strand). Cytogenetic location: 6p21.1.
Variant type: Deletion.
Coding change: c.415_416del on transcript NM_203290.4 (MANE Select); coding-DNA positions 415 to 416, 2 bases deleted (CA; older notation c.415_416delCA).
Protein change: p.Gln139fs; shifts the reading frame from glutamine 139.
Molecular consequence: frameshift variant.
Genome position (GRCh38, 1-based): chr6:43,520,098-43,520,099, CA deleted; deleting any 2 consecutive bases within chr6:43,520,097-43,520,099 gives the same sequence; the c. name uses the placement nearest the transcript's 3' end. VCF-style (leftmost placement, unchanged base first): chr6-43520096-TAC-T. GRCh37 (hg19) VCF-style: chr6-43487834-TAC-T.
Other names: c.415_416del, p.Gln139fs (NM_001318876.2, NM_001363658.2); short protein forms Q139fs.
Identifiers: ClinVar variation 2072032 (VCV002072032.1), dbSNP rs1793062463, ClinGen allele CA1624558761.